The following is an entry in ClinVar:

NM_017617.5(NOTCH1):c.5768A>G (p.Gln1923Arg)

Gene: NOTCH1 (notch receptor 1; minus strand). Cytogenetic location: 9q34.3.
Variant type: single nucleotide variant.
Coding change: c.5768A>G on transcript NM_017617.5 (MANE Select); coding-DNA position 5768, A replaced by G.
Protein change: p.Gln1923Arg; replaces glutamine 1923 with arginine.
Molecular consequence: missense variant.
Genome position (GRCh38, 1-based): chr9:136,500,718, T>C on the plus strand (A>G on the coding strand, the complement: NOTCH1 is on the minus strand). VCF-style: chr9-136500718-T-C. GRCh37 (hg19) VCF-style: chr9-139395170-T-C.
Other names: short protein forms Q1923R.
Identifiers: ClinVar variation 837563 (VCV000837563.7), dbSNP rs1842981791, ClinGen allele CA375637237.
Genomic context (GRCh38, chr9:136,500,718, plus strand): 5'-GCATCAGAGCGTGAGTAGCGGGCGGCCAGGTGCAAGGCGGTCTCGCCCGTGCGGTCTGTC[T>C]GGTTGTGCAGGCTGGCGCCCTGGTAGATGAAGTCGGAGATGACGGCCGGCGCGTCCTCCT-3'
Protein context (NP_060087.3, residues 1913-1933): FIYQGASLHN[Gln1923Arg]TDRTGETALH

ClinVar aggregate classification (germline): Uncertain significance (1 of 4 stars; one submission).

Conditions:
Adams-Oliver syndrome 5 (AOS5). Identifiers: Orphanet 974, MedGen C4014970, MONDO:0014459, OMIM 616028.

Submission:

Labcorp Genetics (formerly Invitae), Labcorp
Classification: Uncertain significance for Adams-Oliver syndrome 5. Last evaluated: 2024-08-21. Review status: criteria provided, single submitter. Criteria: Invitae Variant Classification Sherloc (09022015). Collection method: clinical testing. Allele origin: germline.
Comment: This sequence change replaces glutamine, which is neutral and polar, with arginine, which is basic and polar, at codon 1923 of the NOTCH1 protein (p.Gln1923Arg). This variant is not present in population databases (gnomAD no frequency). This variant has not been reported in the literature in individuals affected with NOTCH1-related conditions. ClinVar contains an entry for this variant (Variation ID: 837563). Invitae Evidence Modeling of protein sequence and biophysical properties (such as structural, functional, and spatial information, amino acid conservation, physicochemical variation, residue mobility, and thermodynamic stability) indicates that this missense variant is not expected to disrupt NOTCH1 protein function with a negative predictive value of 80%. In summary, the available evidence is currently insufficient to determine the role of this variant in disease. Therefore, it has been classified as a Variant of Uncertain Significance.